The following is an entry in ClinVar:

NM_000612.6(IGF2):c.232G>A (p.Ala78Thr)

Genes: INS-IGF2 (INS-IGF2 readthrough; minus strand), IGF2 (insulin like growth factor 2; minus strand). Cytogenetic location: 11p15.5.
Variant type: single nucleotide variant.
Coding change: c.232G>A on transcript NM_000612.6 (MANE Select); coding-DNA position 232, G replaced by A.
Protein change: p.Ala78Thr; replaces alanine 78 with threonine.
Molecular consequence: missense variant. On other transcripts: non-coding transcript variant (1).
Genome position (GRCh38, 1-based): chr11:2,133,591, C>T on the plus strand (G>A on the coding strand, the complement: IGF2 is on the minus strand). VCF-style: chr11-2133591-C-T. GRCh37 (hg19) VCF-style: chr11-2154821-C-T.
Other names: c.232G>A, p.Ala78Thr (NM_001007139.6, NM_001291861.3, NM_001291862.3); c.400G>A, p.Ala134Thr (NM_001127598.3); short protein forms A134T, A78T.
Identifiers: ClinVar variation 2682447 (VCV002682447.1), dbSNP rs2495576592, ClinGen allele CA379113577.
Genomic context (GRCh38, chr11:2,133,591, plus strand): 5'-GAGGGGTCGACACGTCCCTCTCGGACTTGGCGGGGGTAGCACAGTACGTCTCCAGGAGGG[C>T]CAGGTCACAGCTGCGGAAACAGCACTCCTCAACGATGCCACGGCTGCGACGGCTCACACG-3'
Protein context (NP_000603.1, residues 68-88): EECCFRSCDL[Ala78Thr]LLETYCATPA

ClinVar aggregate classification (germline): Uncertain significance (1 of 4 stars; one submission).

Submission:

Women's Health and Genetics/Laboratory Corporation of America, LabCorp
Classification: Uncertain significance. Last evaluated: 2023-11-10. Review status: criteria provided, single submitter. Criteria: LabCorp Variant Classification Summary - May 2015. Collection method: clinical testing. Allele origin: germline.
Comment: Variant summary: IGF2 c.232G>A (p.Ala78Thr) results in a non-conservative amino acid change located in the Insulin-like domain (IPR016179) of the encoded protein sequence. Three of five in-silico tools predict a benign effect of the variant on protein function. The variant was absent in 247186 control chromosomes. The available data on variant occurrences in the general population are insufficient to allow any conclusion about variant significance. To our knowledge, no occurrence of c.232G>A in individuals affected with Silver-Russell Syndrome 1 and no experimental evidence demonstrating its impact on protein function have been reported. No submitters have cited clinical-significance assessments for this variant to ClinVar after 2014. Based on the evidence outlined above, the variant was classified as uncertain significance.